The following is an entry in ClinVar:

ClinVar aggregate classification (germline): Uncertain significance (1 of 4 stars; one submission).

Conditions:
Alpha-1-antitrypsin deficiency (A1ATD). Also called: AAT deficiency; A1AT deficiency; Alpha1-Antitrypsin Deficiency. Identifiers: Orphanet 60, MedGen C0221757, MONDO:0013282, OMIM 613490.

Submission:

Labcorp Genetics (formerly Invitae), Labcorp
Classification: Uncertain significance for Alpha-1-antitrypsin deficiency. Last evaluated: 2025-11-24. Review status: criteria provided, single submitter. Criteria: Invitae Variant Classification Sherloc (09022015). Collection method: clinical testing. Allele origin: germline.
Comment: This sequence change replaces proline, which is neutral and non-polar, with threonine, which is neutral and polar, at codon 415 of the SERPINA1 protein (p.Pro415Thr). This variant is not present in population databases (gnomAD no frequency). This missense change has been observed in individual(s) with clinical features of SERPINA1-related conditions (PMID: 32515985). This variant is also known as Pro391Thr. Invitae Evidence Modeling of protein sequence and biophysical properties (such as structural, functional, and spatial information, amino acid conservation, physicochemical variation, residue mobility, and thermodynamic stability) indicates that this missense variant is expected to disrupt SERPINA1 protein function with a positive predictive value of 80%. Experimental studies have shown that this missense change affects SERPINA1 function (PMID: 32515985). Algorithms developed to predict the effect of sequence changes on RNA splicing suggest that this variant may create or strengthen a splice site. In summary, the available evidence is currently insufficient to determine the role of this variant in disease. Therefore, it has been classified as a Variant of Uncertain Significance.

Literature cited by the submitters: PubMed 32515985.

NM_000295.5(SERPINA1):c.1243C>A (p.Pro415Thr)

Gene: SERPINA1 (serpin family A member 1; minus strand). Cytogenetic location: 14q32.13.
Variant type: single nucleotide variant.
Coding change: c.1243C>A on transcript NM_000295.5 (MANE Select); coding-DNA position 1243, C replaced by A.
Protein change: p.Pro415Thr; replaces proline 415 with threonine.
Molecular consequence: missense variant.
Genome position (GRCh38, 1-based): chr14:94,378,463, G>T on the plus strand (C>A on the coding strand, the complement: SERPINA1 is on the minus strand). VCF-style: chr14-94378463-G-T. GRCh37 (hg19) VCF-style: chr14-94844800-G-T.
Other names: c.1243C>A, p.Pro415Thr (NM_001002235.3, NM_001002236.3, NM_001127700.2 and 7 more transcripts); short protein forms P415T.
Identifiers: ClinVar variation 4763867 (VCV004763867.1).